The following is an entry in ClinVar:

ClinVar aggregate classification (germline): Uncertain significance. Review status: criteria provided, multiple submitters, no conflicts (2 of 4 stars). 2 submissions from 2 submitters: Uncertain significance (2). Last evaluated 2023-07-15.

Conditions:
Ataxia-telangiectasia-like disorder (ATLD). Identifiers: MedGen C1858391, MONDO:0011457.
Hereditary cancer-predisposing syndrome. Also called: Neoplastic Syndromes, Hereditary; Tumor predisposition; Hereditary Cancer Syndrome; Hereditary neoplastic syndrome. Identifiers: Orphanet 140162, MedGen C0027672, MeSH D009386, MONDO:0015356.

Allele frequency attached by ClinVar (database versions not stated): gnomAD exomes below 0.00001; TOPMed 0.00001.
gnomAD v4.1: 1 of 1,478,700 alleles (0.000068%); highest among the groups gnomAD compares: Non-Finnish European, 0.000094%; no homozygotes.

Submissions (2):

Ambry Genetics
Classification: Uncertain significance for Hereditary cancer-predisposing syndrome. Last evaluated: 2023-07-15. Review status: criteria provided, single submitter. Criteria: Ambry Variant Classification Scheme 2023. Collection method: clinical testing. Allele origin: germline.
Comment: The p.T12I variant (also known as c.35C>T), located in coding exon 2 of the MRE11A gene, results from a C to T substitution at nucleotide position 35. The threonine at codon 12 is replaced by isoleucine, an amino acid with similar properties. This amino acid position is highly conserved in available vertebrate species. In addition, this alteration is predicted to be deleterious by in silico analysis. Since supporting evidence is limited at this time, the clinical significance of this alteration remains unclear.

Labcorp Genetics (formerly Invitae), Labcorp
Classification: Uncertain significance for Ataxia-telangiectasia-like disorder. Last evaluated: 2023-04-08. Review status: criteria provided, single submitter. Criteria: Invitae Variant Classification Sherloc (09022015). Collection method: clinical testing. Allele origin: germline.
Comment: In summary, the available evidence is currently insufficient to determine the role of this variant in disease. Therefore, it has been classified as a Variant of Uncertain Significance. An algorithm developed to predict the effect of missense changes on protein structure and function (PolyPhen-2) suggests that this variant is likely to be tolerated. ClinVar contains an entry for this variant (Variation ID: 1800372). This variant has not been reported in the literature in individuals affected with MRE11-related conditions. This variant is not present in population databases (gnomAD no frequency). This sequence change replaces threonine, which is neutral and polar, with isoleucine, which is neutral and non-polar, at codon 12 of the MRE11 protein (p.Thr12Ile).

NM_005591.4(MRE11):c.35C>T (p.Thr12Ile)

Gene: MRE11 (MRE11 double strand break repair nuclease; minus strand). Cytogenetic location: 11q21.
Variant type: single nucleotide variant.
Coding change: c.35C>T on transcript NM_005591.4 (MANE Select); coding-DNA position 35, C replaced by T.
Protein change: p.Thr12Ile; replaces threonine 12 with isoleucine.
Molecular consequence: missense variant.
Genome position (GRCh38, 1-based): chr11:94,490,951, G>A on the plus strand (C>T on the coding strand, the complement: MRE11 is on the minus strand). VCF-style: chr11-94490951-G-A. GRCh37 (hg19) VCF-style: chr11-94224117-G-A.
Other names: c.35C>T, p.Thr12Ile (NM_001330347.2, NM_005590.4); short protein forms T12I.
Identifiers: ClinVar variation 1800372 (VCV001800372.6), dbSNP rs1947268667, ClinGen allele CA382381122.
Genomic context (GRCh38, chr11:94,490,951, plus strand): 5'-CTGACTGCATCTTTCTCCATAAATCCAAGATGAATATCTGTTGCAACTAATATTTTAAAT[G>A]TGTTTTCATCATCACTATATTAAGAAAGAAGAAACATTTCAATATATTAATAATTCATTA-3'
Protein context (NP_005582.1, residues 2-22): STADALDDEN[Thr12Ile]FKILVATDIH